The following is an entry in ClinVar:

ClinVar aggregate classification (germline): Conflicting classifications of pathogenicity. Review status: criteria provided, conflicting classifications (1 of 4 stars). 3 submissions from 3 submitters: Uncertain significance (2); Likely benign (1). Last evaluated 2025-10-02.

Conditions:
Inborn genetic diseases. Identifiers: MedGen C0950123, MeSH D030342.
Neuronopathy, distal hereditary motor, type 7B. Also called: NEURONOPATHY, DISTAL HEREDITARY MOTOR, AUTOSOMAL DOMINANT 14; NEURONOPATHY, DISTAL HEREDITARY MOTOR, HARDING TYPE VIIB; NEUROPATHY, DISTAL HEREDITARY MOTOR, HARDING TYPE VIIB; Distal Hereditary Motor Neuronopathy Type 7B (dHMN7B); NEUROPATHY, DISTAL HEREDITARY MOTOR, WITH VOCAL CORD PARALYSIS, HARDING TYPE VIIB; HMN VIIB. Identifiers: Orphanet 139589, MedGen C1843315, MONDO:0011879, OMIM 607641.
Amyotrophic lateral sclerosis type 1 (ALS1). Also called: AMYOTROPHIC LATERAL SCLEROSIS 1, FAMILIAL. Identifiers: Orphanet 803, MedGen C1862939, MONDO:0007103, OMIM 105400.
Perry syndrome. Also called: PARKINSONISM WITH ALVEOLAR HYPOVENTILATION AND MENTAL DEPRESSION. Identifiers: Orphanet 178509, MedGen C1868594, MONDO:0008201, OMIM 168605.

Allele frequency attached by ClinVar (database versions not stated): 1000 Genomes Project below 0.00001; ExAC 0.00002; gnomAD exomes 0.00002; gnomAD 0.00012 and 0.00016; TOPMed 0.00012; ESP Exome Variant Server 0.00015.
gnomAD v4.1: 54 of 1,614,216 alleles (0.0033%); highest among the groups gnomAD compares: African/African-American, 0.061%; 1 homozygote.

Submissions (3):

Labcorp Genetics (formerly Invitae), Labcorp
Classification: Uncertain significance for Amyotrophic lateral sclerosis type 1; Neuronopathy, distal hereditary motor, type 7B; Perry syndrome. Last evaluated: 2025-10-02. Review status: criteria provided, single submitter. Criteria: Invitae Variant Classification Sherloc (09022015). Collection method: clinical testing. Allele origin: germline.
Comment: This sequence change falls in intron 17 of the DCTN1 gene. It does not directly change the encoded amino acid sequence of the DCTN1 protein. It affects a nucleotide within the consensus splice site. This variant is present in population databases (rs200057343, gnomAD 0.01%). This variant has not been reported in the literature in individuals affected with DCTN1-related conditions. ClinVar contains an entry for this variant (Variation ID: 1004603). Variants that disrupt the consensus splice site are a relatively common cause of aberrant splicing (PMID: 17576681, 9536098). Algorithms developed to predict the effect of sequence changes on RNA splicing suggest that this variant is not likely to affect RNA splicing. In summary, the available evidence is currently insufficient to determine the role of this variant in disease. Therefore, it has been classified as a Variant of Uncertain Significance.

Ambry Genetics
Classification: Likely benign for Inborn genetic diseases. Last evaluated: 2019-11-21. Review status: criteria provided, single submitter. Criteria: Ambry Variant Classification Scheme 2023. Collection method: clinical testing. Allele origin: germline.

Baylor Genetics
Classification: Uncertain significance for Neuronopathy, distal hereditary motor, type 7B. Last evaluated: 2018-03-26. Review status: criteria provided, single submitter. Criteria: ACMG Guidelines, 2015. Collection method: clinical testing. Allele origin: unknown. Affected: yes.
Comment: This variant was determined to be of uncertain significance according to ACMG Guidelines, 2015 [PMID:25741868].

Literature cited by the submitters: PubMed 17576681 (cited by Labcorp Genetics (formerly Invitae), Labcorp); PubMed 9536098 (cited by Labcorp Genetics (formerly Invitae), Labcorp).

NM_004082.5(DCTN1):c.2015+3A>G

Gene: DCTN1 (dynactin subunit 1; minus strand). Cytogenetic location: 2p13.1.
Variant type: single nucleotide variant.
Coding change: c.2015+3A>G on transcript NM_004082.5 (MANE Select); 3 bases into the intron after coding-DNA position 2015, A replaced by G.
Molecular consequence: intron variant.
Genome position (GRCh38, 1-based): chr2:74,367,968, T>C on the plus strand (A>G on the coding strand, the complement: DCTN1 is on the minus strand). VCF-style: chr2-74367968-T-C. GRCh37 (hg19) VCF-style: chr2-74595095-T-C.
Other names: c.1904+3A>G (NM_001190836.2); c.1946+3A>G (NM_001378992.1); c.1964+3A>G (NM_001378991.1); c.1955+3A>G (NM_001135040.3); c.1994+3A>G (NM_001190837.2); c.1613+3A>G (NM_001135041.3, NM_023019.4).
Identifiers: ClinVar variation 1004603 (VCV001004603.10), dbSNP rs200057343, ClinGen allele CA1721986.